The following is an entry in ClinVar:

ClinVar aggregate classification (germline): Conflicting classifications of pathogenicity. Review status: criteria provided, conflicting classifications (1 of 4 stars). 5 submissions from 5 submitters: Uncertain significance (3); Likely benign (1). 1 of the submissions does not count toward it. Last evaluated 2025-02-03.

Conditions:
NEFH-related disorder. Also called: NEFH-related condition.
Inborn genetic diseases. Identifiers: MedGen C0950123, MeSH D030342.

Allele frequency attached by ClinVar (database versions not stated): TOPMed 0.00002; ExAC 0.00003; gnomAD 0.00005; gnomAD exomes 0.00005; ESP Exome Variant Server 0.00008; 1000 Genomes Project 30x 0.00016; 1000 Genomes Project 0.00020.

Submissions (5):

Labcorp Genetics (formerly Invitae), Labcorp
Classification: Uncertain significance. Last evaluated: 2025-02-03. Review status: criteria provided, single submitter. Criteria: Invitae Variant Classification Sherloc (09022015). Collection method: clinical testing. Allele origin: germline.
Comment: This sequence change replaces alanine, which is neutral and non-polar, with valine, which is neutral and non-polar, at codon 951 of the NEFH protein (p.Ala951Val). This variant is present in population databases (rs183097128, gnomAD 0.03%). This variant has not been reported in the literature in individuals affected with NEFH-related conditions. ClinVar contains an entry for this variant (Variation ID: 1796850). Invitae Evidence Modeling of protein sequence and biophysical properties (such as structural, functional, and spatial information, amino acid conservation, physicochemical variation, residue mobility, and thermodynamic stability) indicates that this missense variant is not expected to disrupt NEFH protein function with a negative predictive value of 95%. In summary, the available evidence is currently insufficient to determine the role of this variant in disease. Therefore, it has been classified as a Variant of Uncertain Significance.

Mayo Clinic Laboratories, Mayo Clinic
Classification: Uncertain significance. Last evaluated: 2024-12-16. Review status: criteria provided, single submitter. Criteria: ACMG Guidelines, 2015. Collection method: clinical testing. Allele origin: germline. Observed: 1 variant allele.
Comment: BP4

Women's Health and Genetics/Laboratory Corporation of America, LabCorp
Classification: Uncertain significance. Last evaluated: 2024-05-02. Review status: criteria provided, single submitter. Criteria: LabCorp Variant Classification Summary - May 2015. Collection method: clinical testing. Allele origin: germline.
Comment: Variant summary: NEFH c.2852C>T (p.Ala951Val) results in a non-conservative amino acid change in the encoded protein sequence. Three of four in-silico tools predict a benign effect of the variant on protein function. The variant allele was found at a frequency of 3.5e-05 in 228304 control chromosomes. The available data on variant occurrences in the general population are insufficient to allow any conclusion about variant significance. To our knowledge, no occurrence of c.2852C>T in individuals affected with Charcot-Marie Tooth Disease, Axonal, Type 2CC and no experimental evidence demonstrating its impact on protein function have been reported. ClinVar contains an entry for this variant (Variation ID: 1796850). Based on the evidence outlined above, the variant was classified as uncertain significance.

Ambry Genetics
Classification: Likely benign for Inborn genetic diseases. Last evaluated: 2020-04-29. Review status: criteria provided, single submitter. Criteria: Ambry Variant Classification Scheme 2023. Collection method: clinical testing. Allele origin: germline.

PreventionGenetics, part of Exact Sciences
Classification: Uncertain significance for NEFH-related condition. Last evaluated: 2024-09-26. Review status: no assertion criteria provided. Collection method: clinical testing. Allele origin: germline. Not counted in ClinVar's aggregate classification.
Comment: The NEFH c.2852C>T variant is predicted to result in the amino acid substitution p.Ala951Val. To our knowledge, this variant has not been reported in the literature. This variant is reported in 0.027% of alleles in individuals of Latino descent in gnomAD. At this time, the clinical significance of this variant is uncertain due to the absence of conclusive functional and genetic evidence.

NM_021076.4(NEFH):c.2852C>T (p.Ala951Val)

Gene: NEFH (neurofilament heavy chain; plus strand). Cytogenetic location: 22q12.2.
Variant type: single nucleotide variant.
Coding change: c.2852C>T on transcript NM_021076.4 (MANE Select); coding-DNA position 2852, C replaced by T.
Protein change: p.Ala951Val; replaces alanine 951 with valine.
Molecular consequence: missense variant.
Genome position (GRCh38, 1-based): chr22:29,490,492, C>T. VCF-style: chr22-29490492-C-T. GRCh37 (hg19) VCF-style: chr22-29886481-C-T.
Other names: p.Ala951Val; short protein forms A951V.
Identifiers: ClinVar variation 1796850 (VCV001796850.11), dbSNP rs183097128, ClinGen allele CA10174499.